The following is an entry in ClinVar:

ClinVar aggregate classification (germline): Uncertain significance. Review status: criteria provided, multiple submitters, no conflicts (2 of 4 stars). 2 submissions from 2 submitters: Uncertain significance (2). Last evaluated 2024-03-25.

Conditions:
Hereditary breast ovarian cancer syndrome. Also called: Hereditary breast and/or ovarian cancer syndrome; BRCA1- and BRCA2-Associated Hereditary Breast and Ovarian Cancer; Hereditary breast and ovarian cancer syndrome; Hereditary breast and ovarian cancer; Hereditary breast and ovarian cancer syndrome (HBOC); Breast and ovarian cancer. Identifiers: Orphanet 145, MedGen C0677776, MeSH D061325, MONDO:0003582. Disease mechanism: loss of function.
Hereditary cancer-predisposing syndrome. Also called: Neoplastic Syndromes, Hereditary; Tumor predisposition; Hereditary neoplastic syndrome; Hereditary Cancer Syndrome. Identifiers: Orphanet 140162, MedGen C0027672, MeSH D009386, MONDO:0015356.

Submissions (2):

Labcorp Genetics (formerly Invitae), Labcorp
Classification: Uncertain significance for Hereditary breast ovarian cancer syndrome. Last evaluated: 2024-03-25. Review status: criteria provided, single submitter. Criteria: Invitae Variant Classification Sherloc (09022015). Collection method: clinical testing. Allele origin: germline.
Comment: This sequence change replaces leucine, which is neutral and non-polar, with serine, which is neutral and polar, at codon 579 of the BRCA2 protein (p.Leu579Ser). This variant is not present in population databases (gnomAD no frequency). This variant has not been reported in the literature in individuals affected with BRCA2-related conditions. ClinVar contains an entry for this variant (Variation ID: 2451516). Advanced modeling of protein sequence and biophysical properties (such as structural, functional, and spatial information, amino acid conservation, physicochemical variation, residue mobility, and thermodynamic stability) performed at Invitae indicates that this missense variant is not expected to disrupt BRCA2 protein function with a negative predictive value of 95%. In summary, the available evidence is currently insufficient to determine the role of this variant in disease. Therefore, it has been classified as a Variant of Uncertain Significance.

Ambry Genetics
Classification: Uncertain significance for Hereditary cancer-predisposing syndrome. Last evaluated: 2022-12-20. Review status: criteria provided, single submitter. Criteria: Ambry Variant Classification Scheme 2023. Collection method: clinical testing. Allele origin: germline.
Comment: The p.L579S variant (also known as c.1736T>C), located in coding exon 9 of the BRCA2 gene, results from a T to C substitution at nucleotide position 1736. The leucine at codon 579 is replaced by serine, an amino acid with dissimilar properties. This amino acid position is well conserved in available vertebrate species. In addition, this alteration is predicted to be tolerated by in silico analysis. Since supporting evidence is limited at this time, the clinical significance of this alteration remains unclear.

NM_000059.4(BRCA2):c.1736T>C (p.Leu579Ser)

Gene: BRCA2 (BRCA2 DNA repair associated; plus strand). Cytogenetic location: 13q13.1.
Variant type: single nucleotide variant.
Coding change: c.1736T>C on transcript NM_000059.4 (MANE Select); coding-DNA position 1736, T replaced by C.
Protein change: p.Leu579Ser; replaces leucine 579 with serine.
Molecular consequence: missense variant. On other transcripts: non-coding transcript variant (1), intron variant (1).
Genome position (GRCh38, 1-based): chr13:32,333,214, T>C. VCF-style: chr13-32333214-T-C. GRCh37 (hg19) VCF-style: chr13-32907351-T-C.
Other names: c.1736T>C, p.Leu579Ser (NM_001406719.1, NM_001406720.1, NM_001406721.1); c.424+2184T>C (NM_001406722.1); short protein forms L579S.
Identifiers: ClinVar variation 2451516 (VCV002451516.5), dbSNP rs1131692274, ClinGen allele CA387765411.